The following is an entry in ClinVar:

NM_006059.4(LAMC3):c.694del (p.Thr232fs)

Gene: LAMC3 (laminin subunit gamma 3; plus strand). Cytogenetic location: 9q34.12.
Variant type: Deletion.
Coding change: c.694del on transcript NM_006059.4 (MANE Select); coding-DNA position 694, one base deleted (A; older notation c.694delA).
Protein change: p.Thr232fs; shifts the reading frame from threonine 232.
Molecular consequence: frameshift variant.
Genome position (GRCh38, 1-based): chr9:131,032,060, A deleted. VCF-style (leftmost placement, unchanged base first): chr9-131032059-CA-C. GRCh37 (hg19) VCF-style: chr9-133907446-CA-C.
Other names: short protein forms T232fs.
Identifiers: ClinVar variation 2636167 (VCV002636167.1), dbSNP rs1833833523, ClinGen allele CA1881533849.
Genomic context (GRCh38, chr9:131,032,059, plus strand): 5'-AAATACTCAGGAACCTGCTGATGGCACCCTCTCCCCTCTGCCCCAGGAGTGGGTCACCAG[CA>C]CCGAACTCCTCATCTCTCTAGACCGGCTCAACACGTTTGGGGACGACATCTTCAAGGACC-3'

ClinVar aggregate classification (germline): Likely pathogenic (1 of 4 stars; one submission).

Conditions:
LAMC3-related disorder. Also called: LAMC3-related condition.

Allele frequency attached by ClinVar (database versions not stated): TOPMed below 0.00001.

Submission:

PreventionGenetics, part of Exact Sciences
Classification: Likely pathogenic for LAMC3-related condition. Last evaluated: 2022-09-01. Review status: criteria provided, single submitter. Criteria: ACMG Guidelines, 2015. Collection method: clinical testing. Allele origin: germline.
Comment: The LAMC3 c.694delA variant is predicted to result in a frameshift and premature protein termination (p.Thr232Profs*7). To our knowledge, this variant has not been reported in the literature or in a large population database, indicating this variant is rare. Frameshift variants in LAMC3 are expected to be pathogenic. This variant is interpreted as likely pathogenic.